The following is an entry in ClinVar:

NM_001567.4(INPPL1):c.3557C>T (p.Pro1186Leu)

Gene: INPPL1 (inositol polyphosphate phosphatase like 1; plus strand). Cytogenetic location: 11q13.4.
Variant type: single nucleotide variant.
Coding change: c.3557C>T on transcript NM_001567.4 (MANE Select); coding-DNA position 3557, C replaced by T.
Protein change: p.Pro1186Leu; replaces proline 1186 with leucine.
Molecular consequence: missense variant.
Genome position (GRCh38, 1-based): chr11:72,238,046, C>T. VCF-style: chr11-72238046-C-T. GRCh37 (hg19) VCF-style: chr11-71949090-C-T.
Other names: short protein forms P1186L.
Identifiers: ClinVar variation 840960 (VCV000840960.7), dbSNP rs762011509, ClinGen allele CA6170694.

ClinVar aggregate classification (germline): Uncertain significance. Review status: criteria provided, multiple submitters, no conflicts (2 of 4 stars). 2 submissions from 2 submitters: Uncertain significance (2). Last evaluated 2025-07-02.

Conditions:
Inborn genetic diseases. Identifiers: MedGen C0950123, MeSH D030342.

Allele frequency attached by ClinVar (database versions not stated): ExAC 0.00001; gnomAD 0.00006 and 0.00007; TOPMed 0.00016.

Submissions (2):

Labcorp Genetics (formerly Invitae), Labcorp
Classification: Uncertain significance. Last evaluated: 2025-07-02. Review status: criteria provided, single submitter. Criteria: Invitae Variant Classification Sherloc (09022015). Collection method: clinical testing. Allele origin: germline.
Comment: This sequence change replaces proline, which is neutral and non-polar, with leucine, which is neutral and non-polar, at codon 1186 of the INPPL1 protein (p.Pro1186Leu). The frequency data for this variant in the population databases is considered unreliable, as metrics indicate poor data quality at this position in the gnomAD database. This variant has not been reported in the literature in individuals affected with INPPL1-related conditions. ClinVar contains an entry for this variant (Variation ID: 840960). An algorithm developed to predict the effect of missense changes on protein structure and function outputs the following: PolyPhen-2: "Benign". The leucine amino acid residue is found in multiple mammalian species, which suggests that this missense change does not adversely affect protein function. In summary, the available evidence is currently insufficient to determine the role of this variant in disease. Therefore, it has been classified as a Variant of Uncertain Significance.

Ambry Genetics
Classification: Uncertain significance for Inborn genetic diseases. Last evaluated: 2023-11-14. Review status: criteria provided, single submitter. Criteria: Ambry Variant Classification Scheme 2023. Collection method: clinical testing. Allele origin: germline.